The following is an entry in ClinVar:

ClinVar aggregate classification (somatic clinical impact): Tier II - Potential (1 of 4 stars; one submission).

Conditions:
Adenocarcinoma of the large intestine. Identifiers: MedGen C1319315, MONDO:0005008, HP:0040275.

Submissions (5):

Institute for Genomic Medicine (IGM) Clinical Laboratory, Nationwide Children's Hospital
Classification: Tier II - Potential for Adenocarcinoma of the large intestine. Assertion type: diagnostic. Clinical significance: supports diagnosis. Last evaluated: 2022-12-16. Review status: criteria provided, single submitter. Criteria: AMP/ASCO/CAP Guidelines, 2017. Collection method: clinical testing. Allele origin: somatic. Affected: yes.
Comment: Variant has Tier II (potential) clinical significance as a diagnostic inclusion criterion in colorectal adenocarcinoma, based on the following evidence: 1) Documented in one or more cancer databases (e.g., St. Jude Pecan, COSMIC, CIViC, OncoKB). 2) Diagnostic significance based on multiple small studies (Evidence Level C; PMIDs: 31008436, 31062389, 34197832).

Dr. Peter K. Rogan Lab, Western University
No classification provided (evidence only). Condition: Colon adenocarcinoma. Review status: no classification provided. Collection method: in vitro. Allele origin: not applicable. Functional consequence: retained intron. Not counted in ClinVar's aggregate classification.

Dr. Peter K. Rogan Lab, Western University
No classification provided (evidence only). Condition: Colon adenocarcinoma. Review status: no classification provided. Collection method: in vitro. Allele origin: not applicable. Functional consequence: skipped exon, retained intron. Not counted in ClinVar's aggregate classification.

Dr. Peter K. Rogan Lab, Western University
No classification provided (evidence only). Condition: Gastric cancer. Review status: no classification provided. Collection method: in vitro. Allele origin: not applicable. Functional consequence: retained intron. Not counted in ClinVar's aggregate classification.

MutSpliceDB: a database of splice sites variants effects on splicing, NIH
No classification provided (evidence only). Review status: no classification provided. Collection method: in vivo. Allele origin: not applicable. Functional consequence: retained intron.

Literature cited by the submitters: PubMed 31008436 (cited by Institute for Genomic Medicine (IGM) Clinical Laboratory, Nationwide Children's Hospital); PubMed 31062389 (cited by Institute for Genomic Medicine (IGM) Clinical Laboratory, Nationwide Children's Hospital); PubMed 34197832 (cited by Institute for Genomic Medicine (IGM) Clinical Laboratory, Nationwide Children's Hospital).

NM_004048.4(B2M):c.68-2A>G

Gene: B2M (beta-2-microglobulin; plus strand). Cytogenetic location: 15q21.1.
Variant type: single nucleotide variant.
Coding change: c.68-2A>G on transcript NM_004048.4 (MANE Select); the canonical splice acceptor site of the intron before coding-DNA position 68, A replaced by G.
Molecular consequence: splice acceptor variant.
Genome position (GRCh38, 1-based): chr15:44,715,421, A>G. VCF-style: chr15-44715421-A-G. GRCh37 (hg19) VCF-style: chr15-45007619-A-G.
Other names: NM_004048.4:c.68-2A>G; NC_000015.9:g.45007619A>G.
Identifiers: ClinVar variation 3340116 (VCV003340116.5).